The following is an entry in ClinVar:

NM_000208.4(INSR):c.980T>A (p.Leu327Gln)

Gene: INSR (insulin receptor; minus strand). Cytogenetic location: 19p13.2.
Variant type: single nucleotide variant.
Coding change: c.980T>A on transcript NM_000208.4 (MANE Select); coding-DNA position 980, T replaced by A.
Protein change: p.Leu327Gln; replaces leucine 327 with glutamine.
Molecular consequence: missense variant.
Genome position (GRCh38, 1-based): chr19:7,174,726, A>T on the plus strand (T>A on the coding strand, the complement: INSR is on the minus strand). VCF-style: chr19-7174726-A-T. GRCh37 (hg19) VCF-style: chr19-7174737-A-T.
Other names: c.980T>A, p.Leu327Gln (NM_001079817.3); short protein forms L327Q.
Identifiers: ClinVar variation 4767311 (VCV004767311.1).
Genomic context (GRCh38, chr19:7,174,726, plus strand): 5'-GTCTTCTCGCCTTCTAGGAGGTGGCACACCTTGGGACAGGGACCCAGGCATGGGGTGCAC[A>T]GCAAGCTAAGGACGGAGCAGAGAGAGAGAGAAAGAGAAAGGGGAGGGGGGTGTCACGGTA-3'
Protein context (NP_000199.2, residues 317-337): SGYTMNSSNL[Leu327Gln]CTPCLGPCPK

ClinVar aggregate classification (germline): Uncertain significance (1 of 4 stars; one submission).

gnomAD v4.1: 3 of 1,613,720 alleles (0.00019%); highest among the groups gnomAD compares: South Asian, 0.0022%; no homozygotes.

Submission:

Labcorp Genetics (formerly Invitae), Labcorp
Classification: Uncertain significance. Last evaluated: 2025-12-18. Review status: criteria provided, single submitter. Criteria: Invitae Variant Classification Sherloc (09022015). Collection method: clinical testing. Allele origin: germline.
Comment: This sequence change replaces leucine, which is neutral and non-polar, with glutamine, which is neutral and polar, at codon 327 of the INSR protein (p.Leu327Gln). This variant is not present in population databases (gnomAD no frequency). This variant has not been reported in the literature in individuals affected with INSR-related conditions. Invitae Evidence Modeling of protein sequence and biophysical properties (such as structural, functional, and spatial information, amino acid conservation, physicochemical variation, residue mobility, and thermodynamic stability) indicates that this missense variant is not expected to disrupt INSR protein function with a negative predictive value of 95%. In summary, the available evidence is currently insufficient to determine the role of this variant in disease. Therefore, it has been classified as a Variant of Uncertain Significance.